The following is an entry in ClinVar:

ClinVar aggregate classification (germline): Conflicting classifications of pathogenicity. Review status: criteria provided, conflicting classifications (1 of 4 stars). 4 submissions from 4 submitters: Likely pathogenic (2); Uncertain significance (2). Last evaluated 2025-07-27.

Conditions:
Galactosemia. Also called: Galactose intolerance. Identifiers: Orphanet 352, MedGen C0016952, MONDO:0018116, HP:0004919. Disease mechanism: loss of function.
Deficiency of UDPglucose-hexose-1-phosphate uridylyltransferase. Also called: GALACTOSE-1-PHOSPHATE URIDYLYLTRANSFERASE DEFICIENCY; GALT deficiency; Galactosemia, classic; GALACTOSEMIA I; Transferase Deficiency Galactosemia. Identifiers: Orphanet 352, Orphanet 79239, MedGen C0268151, MONDO:0009258, OMIM 230400.

Submissions (4):

Natera, Inc.
Classification: Likely pathogenic for Galactosemia. Last evaluated: 2025-07-27. Review status: criteria provided, single submitter. Criteria: Natera Variant Classification Schema (03/2026). Collection method: clinical testing. Allele origin: germline.
Comment: The c.823C>G variant in GALT is a missense variant predicted to cause substitution of leucine to valine at amino acid 275. This variant is rare in the general population with a frequency below the threshold expected for the associated phenotype(s). This variant has been observed in one or more individuals affected with the associated recessive disease, as either homozygous or compound heterozygous with a second variant (PMID: 30718057). This variant has been identified in one or more affected individuals with a phenotype highly consistent with the associated gene (PMID:30718057). Computational prediction algorithms indicate this variant is likely to affect gene or protein function. Given the available evidence, this variant is classified as Likely Pathogenic.

Women's Health and Genetics/Laboratory Corporation of America, LabCorp
Classification: Uncertain significance. Last evaluated: 2024-08-19. Review status: criteria provided, single submitter. Criteria: LabCorp Variant Classification Summary - May 2015. Collection method: clinical testing. Allele origin: germline.
Comment: Variant summary: GALT c.823C>G (p.Leu275Val) results in a conservative amino acid change located in the Galactose-1-phosphate uridyl transferase, C-terminal (IPR005850) of the encoded protein sequence. Four of five in-silico tools predict a damaging effect of the variant on protein function. Consensus agreement among computation tools predict no significant impact on normal splicing. However, these predictions have yet to be confirmed by functional studies. The variant was absent in 251494 control chromosomes. The available data on variant occurrences in the general population are insufficient to allow any conclusion about variant significance. c.823C>G has been reported in the literature in individuals affected with Galactosemia (Demirbas_2019). These data do not allow any conclusion about variant significance. To our knowledge, no experimental evidence demonstrating an impact on protein function has been reported. The following publication have been ascertained in the context of this evaluation (PMID: 30718057). ClinVar contains an entry for this variant (Variation ID: 1693997). Based on the evidence outlined above, the variant was classified as uncertain significance.

Baylor Genetics
Classification: Likely pathogenic for Deficiency of UDPglucose-hexose-1-phosphate uridylyltransferase. Last evaluated: 2022-07-26. Review status: criteria provided, single submitter. Criteria: ACMG Guidelines, 2015. Collection method: clinical testing. Allele origin: unknown.

Mayo Clinic Laboratories, Mayo Clinic
Classification: Uncertain significance. Last evaluated: 2021-06-09. Review status: criteria provided, single submitter. Criteria: ACMG Guidelines, 2015. Collection method: clinical testing. Allele origin: germline.

Literature cited by the submitters: PubMed 30718057 (cited by Natera, Inc. and Women's Health and Genetics/Laboratory Corporation of America, LabCorp).

NM_000155.4(GALT):c.823C>G (p.Leu275Val)

Gene: GALT (galactose-1-phosphate uridylyltransferase; plus strand). Cytogenetic location: 9p13.3.
Variant type: single nucleotide variant.
Coding change: c.823C>G on transcript NM_000155.4 (MANE Select); coding-DNA position 823, C replaced by G.
Protein change: p.Leu275Val; replaces leucine 275 with valine.
Molecular consequence: missense variant.
Genome position (GRCh38, 1-based): chr9:34,649,000, C>G. VCF-style: chr9-34649000-C-G. GRCh37 (hg19) VCF-style: chr9-34648997-C-G.
Other names: p.Leu275Val; c.496C>G, p.Leu166Val (NM_001258332.2); c.823C>G (NM_000155.3); short protein forms L275V, L166V.
Identifiers: ClinVar variation 1693997 (VCV001693997.7), dbSNP rs796051967, ClinGen allele CA312568.
Genomic context (GRCh38, chr9:34,649,000, plus strand): 5'-TTGCTCCCAGTAGGGTCAGCATCTGGACCCCAGGCTGAGAGTCAGGCTCTGATTCCAGAT[C>G]TAGCCTCCATCATGAAGAAGCTCTTGACCAAGTATGACAACCTCTTTGAGACGTCCTTTC-3'
Protein context (NP_000146.2, residues 265-285): PELTPAERDD[Leu275Val]ASIMKKLLTK